The following is an entry in ClinVar:

NM_000088.4(COL1A1):c.333+1G>T

Gene: COL1A1 (collagen type I alpha 1 chain; minus strand). Cytogenetic location: 17q21.33.
Variant type: single nucleotide variant.
Coding change: c.333+1G>T on transcript NM_000088.4 (MANE Select); the canonical splice donor site of the intron after coding-DNA position 333, G replaced by T.
Molecular consequence: splice donor variant.
Genome position (GRCh38, 1-based): chr17:50,199,555, C>A on the plus strand (G>T on the coding strand, the complement: COL1A1 is on the minus strand). VCF-style: chr17-50199555-C-A. GRCh37 (hg19) VCF-style: chr17-48276916-C-A.
Identifiers: ClinVar variation 2138087 (VCV002138087.4), dbSNP rs2144592402, ClinGen allele CA400227768.

ClinVar aggregate classification (germline): Pathogenic (1 of 4 stars; one submission).

Conditions:
Osteogenesis imperfecta type I (OI1). Also called: OI, TYPE I; OSTEOGENESIS IMPERFECTA TARDA; OSTEOGENESIS IMPERFECTA WITH BLUE SCLERAE; Osteogenesis imperfecta type 1; Lobstein disease; Lobstein's Disease. Identifiers: Orphanet 216796, Orphanet 666, MedGen C0023931, MONDO:0008146, OMIM 166200. Disease mechanism: loss of function.

Submission:

Labcorp Genetics (formerly Invitae), Labcorp
Classification: Pathogenic for Osteogenesis imperfecta type I. Last evaluated: 2022-10-02. Review status: criteria provided, single submitter. Criteria: Invitae Variant Classification Sherloc (09022015). Collection method: clinical testing. Allele origin: germline.
Comment: For these reasons, this variant has been classified as Pathogenic. Algorithms developed to predict the effect of sequence changes on RNA splicing suggest that this variant may disrupt the consensus splice site. Disruption of this splice site has been observed in individuals with osteogenesis imperfecta (PMID: 25963598). This variant is not present in population databases (gnomAD no frequency). This sequence change affects a donor splice site in intron 3 of the COL1A1 gene. It is expected to disrupt RNA splicing. Variants that disrupt the donor or acceptor splice site typically lead to a loss of protein function (PMID: 16199547), and loss-of-function variants in COL1A1 are known to be pathogenic (PMID: 7942841, 9295084, 9443882).

Literature cited by the submitters: PubMed 25963598; PubMed 16199547; PubMed 7942841; PubMed 9295084; PubMed 9443882.